The following is an entry in ClinVar:

NM_014874.4(MFN2):c.64G>T (p.Ala22Ser)

Gene: MFN2 (mitofusin 2; plus strand). Cytogenetic location: 1p36.22.
Variant type: single nucleotide variant.
Coding change: c.64G>T on transcript NM_014874.4 (MANE Select); coding-DNA position 64, G replaced by T.
Protein change: p.Ala22Ser; replaces alanine 22 with serine.
Molecular consequence: missense variant.
Genome position (GRCh38, 1-based): chr1:11,989,232, G>T. VCF-style: chr1-11989232-G-T. GRCh37 (hg19) VCF-style: chr1-12049289-G-T.
Other names: c.64G>T, p.Ala22Ser (NM_001127660.2); short protein forms A22S.
Identifiers: ClinVar variation 1005198 (VCV001005198.8), dbSNP rs1178355950, ClinGen allele CA338459439.

ClinVar aggregate classification (germline): Uncertain significance (1 of 4 stars; one submission).

Conditions:
Charcot-Marie-Tooth disease type 2. Also called: Charcot-Marie-Tooth type 2. Identifiers: Orphanet 64746, MedGen C0270914, MONDO:0018993.

Submission:

Labcorp Genetics (formerly Invitae), Labcorp
Classification: Uncertain significance for Charcot-Marie-Tooth disease type 2. Last evaluated: 2020-07-31. Review status: criteria provided, single submitter. Criteria: Invitae Variant Classification Sherloc (09022015). Collection method: clinical testing. Allele origin: germline.
Comment: In summary, the available evidence is currently insufficient to determine the role of this variant in disease. Therefore, it has been classified as a Variant of Uncertain Significance. Advanced modeling of protein sequence and biophysical properties (such as structural, functional, and spatial information, amino acid conservation, physicochemical variation, residue mobility, and thermodynamic stability) performed at Invitae indicates that this missense variant is expected to disrupt MFN2 protein function. This variant has not been reported in the literature in individuals with MFN2-related conditions. This variant is not present in population databases (ExAC no frequency). This sequence change replaces alanine with serine at codon 22 of the MFN2 protein (p.Ala22Ser). The alanine residue is highly conserved and there is a moderate physicochemical difference between alanine and serine.